The following is an entry in ClinVar:

ClinVar aggregate classification (germline): Uncertain significance (1 of 4 stars; one submission).

Conditions:
Glycine encephalopathy. Also called: Non-ketotic hyperglycinemia; Nonketotic hyperglycinemia. Identifiers: Orphanet 407, MedGen C0751748, MONDO:0011612, HP:0008288.

Submission:

Labcorp Genetics (formerly Invitae), Labcorp
Classification: Uncertain significance for Glycine encephalopathy. Last evaluated: 2021-07-30. Review status: criteria provided, single submitter. Criteria: Invitae Variant Classification Sherloc (09022015). Collection method: clinical testing. Allele origin: germline.
Comment: This variant has not been reported in the literature in individuals affected with GLDC-related conditions. In summary, the available evidence is currently insufficient to determine the role of this variant in disease. Therefore, it has been classified as a Variant of Uncertain Significance. Algorithms developed to predict the effect of sequence changes on RNA splicing suggest that this variant is not likely to affect RNA splicing. This variant is not present in population databases (ExAC no frequency). This sequence change affects codon 212 of the GLDC mRNA. It is a 'silent' change, meaning that it does not change the encoded amino acid sequence of the GLDC protein. It affects a nucleotide within the consensus splice site of the intron.

NM_000170.3(GLDC):c.634A>C (p.Arg212=)

Gene: GLDC (glycine decarboxylase; minus strand). Cytogenetic location: 9p24.1.
Variant type: single nucleotide variant.
Coding change: c.634A>C on transcript NM_000170.3 (MANE Select); coding-DNA position 634, A replaced by C.
Protein change: p.Arg212=; no amino-acid change (arginine 212 retained).
Molecular consequence: synonymous variant.
Genome position (GRCh38, 1-based): chr9:6,610,193, T>G on the plus strand (A>C on the coding strand, the complement: GLDC is on the minus strand). VCF-style: chr9-6610193-T-G. GRCh37 (hg19) VCF-style: chr9-6610193-T-G.
Identifiers: ClinVar variation 1478665 (VCV001478665.6), dbSNP rs1212968746, ClinGen allele CA463602912.
Genomic context (GRCh38, chr9:6,610,193, plus strand): 5'-AACAAGGCCAGGCGAGGTGGCCCACAACTGGAATTCCAGCACTTTGAGAGGCCTCTCACC[T>G]GTAGCACAGCTGCAGTGCCTCTGCGGCTGCAGTCCCCTCATCCAGCAGGGATGCATTGGC-3'
Protein context (NP_000161.2, residues 202-222): AAAEALQLCY[Arg212=]HNKRRKFLVD